The following is an entry in ClinVar:

ClinVar aggregate classification (germline): Benign. Review status: criteria provided, multiple submitters, no conflicts (2 of 4 stars). 2 submissions from 2 submitters: Benign (2). Last evaluated 2018-01-12.

Conditions:
Acral peeling skin syndrome. Also called: Peeling skin syndrome 2. Identifiers: Orphanet 263534, MedGen C1853354, MONDO:0012345, OMIM 609796.

Allele frequency attached by ClinVar (database versions not stated): gnomAD exomes 0.00104 and 0.00282; ExAC 0.00358; 1000 Genomes Project 30x 0.01109; gnomAD 0.01149 and 0.01253; 1000 Genomes Project 0.01158; ESP Exome Variant Server 0.01215; TOPMed 0.01237.
gnomAD v4.1: 3,319 of 1,614,248 alleles (0.21%); highest among the groups gnomAD compares: African/African-American, 4%; 74 homozygotes.

Submissions (2):

Illumina Laboratory Services, Illumina
Classification: Benign for Acral peeling skin syndrome. Last evaluated: 2018-01-12. Review status: criteria provided, single submitter. Criteria: ICSL Variant Classification Criteria 13 December 2019. Collection method: clinical testing. Allele origin: germline.
Comment: This variant was observed in the ICSL laboratory as part of a predisposition screen in an ostensibly healthy population. It had not been previously curated by ICSL or reported in the Human Gene Mutation Database (HGMD: prior to June 1st, 2018), and was therefore a candidate for classification through an automated scoring system. Utilizing variant allele frequency, disease prevalence and penetrance estimates, and inheritance mode, an automated score was calculated to assess if this variant is too frequent to cause the disease. Based on the score and internal cut-off values, a variant classified as benign is not then subjected to further curation. The score for this variant resulted in a classification of benign for this disease.

Breakthrough Genomics
Classification: Benign. Review status: criteria provided, single submitter. Criteria: ACMG Guidelines, 2015. Collection method: not provided. Allele origin: germline. Inheritance: Autosomal recessive inheritance. Affected: yes.

NM_201631.4(TGM5):c.1822A>G (p.Lys608Glu)

Gene: TGM5 (transglutaminase 5; minus strand). Cytogenetic location: 15q15.2.
Variant type: single nucleotide variant.
Coding change: c.1822A>G on transcript NM_201631.4 (MANE Select); coding-DNA position 1822, A replaced by G.
Protein change: p.Lys608Glu; replaces lysine 608 with glutamic acid.
Molecular consequence: missense variant.
Genome position (GRCh38, 1-based): chr15:43,234,822, T>C on the plus strand (A>G on the coding strand, the complement: TGM5 is on the minus strand). VCF-style: chr15-43234822-T-C. GRCh37 (hg19) VCF-style: chr15-43527020-T-C.
Other names: c.1576A>G, p.Lys526Glu (NM_004245.4); short protein forms K608E, K526E.
Identifiers: ClinVar variation 316037 (VCV000316037.6), dbSNP rs76456763, ClinGen allele CA7520880.